The following is an entry in ClinVar:

ClinVar aggregate classification (germline): Uncertain significance (1 of 4 stars; one submission).

Submission:

Labcorp Genetics (formerly Invitae), Labcorp
Classification: Uncertain significance. Last evaluated: 2024-03-04. Review status: criteria provided, single submitter. Criteria: Invitae Variant Classification Sherloc (09022015). Collection method: clinical testing. Allele origin: germline.
Comment: This sequence change replaces glutamic acid, which is acidic and polar, with valine, which is neutral and non-polar, at codon 665 of the LZTR1 protein (p.Glu665Val). This variant is not present in population databases (gnomAD no frequency). This variant has not been reported in the literature in individuals affected with LZTR1-related conditions. Advanced modeling of protein sequence and biophysical properties (such as structural, functional, and spatial information, amino acid conservation, physicochemical variation, residue mobility, and thermodynamic stability) performed at Invitae indicates that this missense variant is not expected to disrupt LZTR1 protein function with a negative predictive value of 80%. In summary, the available evidence is currently insufficient to determine the role of this variant in disease. Therefore, it has been classified as a Variant of Uncertain Significance.

NM_006767.4(LZTR1):c.1994A>T (p.Glu665Val)

Gene: LZTR1 (leucine zipper like post translational regulator 1; plus strand). Cytogenetic location: 22q11.21.
Variant type: single nucleotide variant.
Coding change: c.1994A>T on transcript NM_006767.4 (MANE Select); coding-DNA position 1994, A replaced by T.
Protein change: p.Glu665Val; replaces glutamic acid 665 with valine.
Molecular consequence: missense variant.
Genome position (GRCh38, 1-based): chr22:20,995,797, A>T. VCF-style: chr22-20995797-A-T. GRCh37 (hg19) VCF-style: chr22-21350086-A-T.
Other names: short protein forms E665V.
Identifiers: ClinVar variation 3644438 (VCV003644438.2).